The following is an entry in ClinVar:

ClinVar aggregate classification (germline): Uncertain significance (1 of 4 stars; one submission).

Submission:

Labcorp Genetics (formerly Invitae), Labcorp
Classification: Uncertain significance. Last evaluated: 2022-07-19. Review status: criteria provided, single submitter. Criteria: Invitae Variant Classification Sherloc (09022015). Collection method: clinical testing. Allele origin: germline.
Comment: In summary, the available evidence is currently insufficient to determine the role of this variant in disease. Therefore, it has been classified as a Variant of Uncertain Significance. Algorithms developed to predict the effect of missense changes on protein structure and function are either unavailable or do not agree on the potential impact of this missense change (SIFT: "Deleterious"; PolyPhen-2: "Benign"; Align-GVGD: "Class C15"). This variant has not been reported in the literature in individuals affected with RUSC2-related conditions. This variant is not present in population databases (gnomAD no frequency). This sequence change replaces asparagine, which is neutral and polar, with lysine, which is basic and polar, at codon 289 of the RUSC2 protein (p.Asn289Lys).

NM_014806.5(RUSC2):c.867C>G (p.Asn289Lys)

Gene: RUSC2 (RUN and SH3 domain containing 2; plus strand). Cytogenetic location: 9p13.3.
Variant type: single nucleotide variant.
Coding change: c.867C>G on transcript NM_014806.5 (MANE Select); coding-DNA position 867, C replaced by G.
Protein change: p.Asn289Lys; replaces asparagine 289 with lysine.
Molecular consequence: missense variant. On other transcripts: non-coding transcript variant (1), intron variant (1).
Genome position (GRCh38, 1-based): chr9:35,547,388, C>G. VCF-style: chr9-35547388-C-G. GRCh37 (hg19) VCF-style: chr9-35547385-C-G.
Other names: c.867C>G, p.Asn289Lys (NM_001135999.2); c.-620-7672C>G (NM_001330740.2); short protein forms N289K.
Identifiers: ClinVar variation 1719454 (VCV001719454.5), dbSNP rs1407741275, ClinGen allele CA373329419.